The following is an entry in ClinVar:

ClinVar aggregate classification (germline): Conflicting classifications of pathogenicity. Review status: criteria provided, conflicting classifications (1 of 4 stars). 3 submissions from 3 submitters: Uncertain significance (2); Likely benign (1). Last evaluated 2024-04-25.

Conditions:
Hereditary cancer-predisposing syndrome. Also called: Tumor predisposition; Hereditary Cancer Syndrome; Hereditary neoplastic syndrome; Neoplastic Syndromes, Hereditary. Identifiers: Orphanet 140162, MedGen C0027672, MeSH D009386, MONDO:0015356.
Multiple endocrine neoplasia, type 2 (MEN2). Identifiers: Orphanet 653, MedGen C4048306, MONDO:0019003. Disease mechanism: gain of function.

Allele frequency attached by ClinVar (database versions not stated): gnomAD exomes below 0.00001.
gnomAD v4.1: 4 of 1,614,196 alleles (0.00025%); highest among the groups gnomAD compares: South Asian, 0.0033%; no homozygotes.

Submissions (3):

Ambry Genetics
Classification: Likely benign for Hereditary cancer-predisposing syndrome. Last evaluated: 2024-04-25. Review status: criteria provided, single submitter. Criteria: Ambry Variant Classification Scheme 2023. Collection method: clinical testing. Allele origin: germline.

Labcorp Genetics (formerly Invitae), Labcorp
Classification: Uncertain significance for Multiple endocrine neoplasia, type 2. Last evaluated: 2024-04-22. Review status: criteria provided, single submitter. Criteria: Invitae Variant Classification Sherloc (09022015). Collection method: clinical testing. Allele origin: germline.
Comment: This sequence change replaces serine, which is neutral and polar, with threonine, which is neutral and polar, at codon 153 of the RET protein (p.Ser153Thr). This variant is present in population databases (no rsID available, gnomAD 0.003%). This variant has not been reported in the literature in individuals affected with RET-related conditions. ClinVar contains an entry for this variant (Variation ID: 486325). Algorithms developed to predict the effect of missense changes on protein structure and function output the following: SIFT: "Not Available"; PolyPhen-2: "Benign"; Align-GVGD: "Not Available". The threonine amino acid residue is found in multiple mammalian species, which suggests that this missense change does not adversely affect protein function. In summary, the available evidence is currently insufficient to determine the role of this variant in disease. Therefore, it has been classified as a Variant of Uncertain Significance.

All of Us Research Program, National Institutes of Health
Classification: Uncertain significance for Multiple endocrine neoplasia, type 2. Last evaluated: 2023-10-23. Review status: criteria provided, single submitter. Criteria: ACMG Guidelines, 2015. Collection method: clinical testing. Allele origin: germline. Inheritance: Autosomal dominant inheritance. Observed: 1 variant allele, 1 heterozygote.
Comment: This missense variant replaces serine with threonine at codon 153 of the RET protein. Computational prediction suggests that this variant may not impact protein structure and function (internally defined REVEL score threshold <= 0.5, PMID: 27666373). To our knowledge, functional studies have not been reported for this variant. This variant has not been reported in individuals affected with RET-related disorders in the literature. This variant has been identified in 1/251446 chromosomes in the general population by the Genome Aggregation Database (gnomAD). The available evidence is insufficient to determine the role of this variant in disease conclusively. Therefore, this variant is classified as a Variant of Uncertain Significance.

This study involves interpretation of variants in research participants for the purpose of population health screening. Participant phenotype was not available at the time of variant classification. Additional details can be found in publication PMID: 35346344, PMCID: PMC8962531

NM_020975.6(RET):c.457T>A (p.Ser153Thr)

Gene: RET (ret proto-oncogene; plus strand). Cytogenetic location: 10q11.21.
Variant type: single nucleotide variant.
Coding change: c.457T>A on transcript NM_020975.6 (MANE Select); coding-DNA position 457, T replaced by A.
Protein change: p.Ser153Thr; replaces serine 153 with threonine.
Molecular consequence: missense variant.
Genome position (GRCh38, 1-based): chr10:43,102,461, T>A. VCF-style: chr10-43102461-T-A. GRCh37 (hg19) VCF-style: chr10-43597909-T-A.
Other names: c.457T>A, p.Ser153Thr (NM_000323.2, NM_001406743.1, NM_001406744.1 and 16 more transcripts); short protein forms S153T.
Identifiers: ClinVar variation 486325 (VCV000486325.17), dbSNP rs1341922880, ClinGen allele CA376770870.